The following is an entry in ClinVar:

ClinVar aggregate classification (germline): Uncertain significance (1 of 4 stars; one submission).

Conditions:
Inborn genetic diseases. Identifiers: MedGen C0950123, MeSH D030342.

gnomAD v4.1: 3 of 1,614,030 alleles (0.00019%); highest among the groups gnomAD compares: African/African-American, 0.0027%; no homozygotes.

Submission:

Ambry Genetics
Classification: Uncertain significance for Inborn genetic diseases. Last evaluated: 2026-03-28. Review status: criteria provided, single submitter. Criteria: Ambry Variant Classification Scheme 2023. Collection method: clinical testing. Allele origin: germline.
Comment: The p.S282T variant (also known as c.845G>C), located in coding exon 3 of the MBD4 gene, results from a G to C substitution at nucleotide position 845. The serine at codon 282 is replaced by threonine, an amino acid with similar properties. This amino acid position is conserved. In addition, this alteration is predicted to be tolerated by in silico analysis. Based on the available evidence, the clinical significance of this variant remains unclear.

NM_001276270.2(MBD4):c.845G>C (p.Ser282Thr)

Gene: MBD4 (methyl-CpG binding domain 4, DNA glycosylase; minus strand). Cytogenetic location: 3q21.3.
Variant type: single nucleotide variant.
Coding change: c.845G>C on transcript NM_001276270.2 (MANE Select); coding-DNA position 845, G replaced by C.
Protein change: p.Ser282Thr; replaces serine 282 with threonine.
Molecular consequence: missense variant. On other transcripts: intron variant (1).
Genome position (GRCh38, 1-based): chr3:129,436,799, C>G on the plus strand (G>C on the coding strand, the complement: MBD4 is on the minus strand). VCF-style: chr3-129436799-C-G. GRCh37 (hg19) VCF-style: chr3-129155642-C-G.
Other names: c.845G>C, p.Ser282Thr (NM_001276271.2, NM_001276272.2, NM_003925.3); c.247+1009G>C (NM_001276273.2); short protein forms S282T.
Identifiers: ClinVar variation 4859567 (VCV004859567.1).